The following is an entry in ClinVar:

NM_000426.4(LAMA2):c.61C>T (p.Gln21Ter)

Gene: LAMA2 (laminin subunit alpha 2; plus strand). Cytogenetic location: 6q22.33.
Variant type: single nucleotide variant.
Coding change: c.61C>T on transcript NM_000426.4 (MANE Select); coding-DNA position 61, C replaced by T.
Protein change: p.Gln21Ter; replaces glutamine 21 with a stop codon.
Molecular consequence: nonsense.
Genome position (GRCh38, 1-based): chr6:128,883,306, C>T. VCF-style: chr6-128883306-C-T. GRCh37 (hg19) VCF-style: chr6-129204451-C-T.
Other names: c.61C>T, p.Gln21Ter (NM_001079823.2); short protein forms Q21*.
Identifiers: ClinVar variation 557178 (VCV000557178.7), dbSNP rs886061039, ClinGen allele CA365828264.

ClinVar aggregate classification (germline): Pathogenic. Review status: criteria provided, single submitter (1 of 4 stars). 2 submissions from 2 submitters: Pathogenic (1). 1 of the submissions does not count toward it. Last evaluated 2022-08-26.

Conditions:
LAMA2-related muscular dystrophy (LAMA2-RD). Also called: Laminin alpha 2-related dystrophy. Identifiers: MedGen C5679788, MONDO:0100228.
Merosin deficient congenital muscular dystrophy (MDC1A). Also called: Congenital merosin-deficient muscular dystrophy 1A; Congenital Muscular Dystrophy Type 1A (MDC1A). Identifiers: Orphanet 258, MedGen C1263858, MONDO:0011925, OMIM 607855.

Allele frequency attached by ClinVar (database versions not stated): TOPMed 0.00001.

Submissions (2):

Labcorp Genetics (formerly Invitae), Labcorp
Classification: Pathogenic for LAMA2-related muscular dystrophy. Last evaluated: 2022-08-26. Review status: criteria provided, single submitter. Criteria: Invitae Variant Classification Sherloc (09022015). Collection method: clinical testing. Allele origin: germline.
Comment: For these reasons, this variant has been classified as Pathogenic. This sequence change creates a premature translational stop signal (p.Gln21*) in the LAMA2 gene. It is expected to result in an absent or disrupted protein product. Loss-of-function variants in LAMA2 are known to be pathogenic (PMID: 18700894, 32904964). This variant is not present in population databases (gnomAD no frequency). This variant has not been reported in the literature in individuals affected with LAMA2-related conditions. ClinVar contains an entry for this variant (Variation ID: 557178).

Counsyl
Classification: Likely pathogenic for Merosin deficient congenital muscular dystrophy. Last evaluated: 2018-03-12. Review status: no assertion criteria provided. Collection method: clinical testing. Allele origin: unknown. Not counted in ClinVar's aggregate classification.

Literature cited by the submitters: PubMed 18700894 (cited by Labcorp Genetics (formerly Invitae), Labcorp); PubMed 32904964 (cited by Labcorp Genetics (formerly Invitae), Labcorp).